The following is an entry in ClinVar:

ClinVar aggregate classification (germline): Uncertain significance (1 of 4 stars; one submission).

Submission:

CeGaT Center for Human Genetics Tuebingen
Classification: Uncertain significance. Last evaluated: 2026-06-01. Review status: criteria provided, single submitter. Criteria: CeGaT Center For Human Genetics Tuebingen Variant Classification Criteria Version 2. Collection method: clinical testing. Allele origin: germline. Affected: yes. Observed: 3 variant alleles.
Comment: MAGEL2: PM2, BP4

NM_019066.5(MAGEL2):c.3671A>G (p.Glu1224Gly)

Gene: MAGEL2 (MAGE family member L2; minus strand). Cytogenetic location: 15q11.2.
Variant type: single nucleotide variant.
Coding change: c.3671A>G on transcript NM_019066.5 (MANE Select); coding-DNA position 3671, A replaced by G.
Protein change: p.Glu1224Gly; replaces glutamic acid 1224 with glycine.
Molecular consequence: missense variant.
Genome position (GRCh38, 1-based): chr15:23,644,072, T>C on the plus strand (A>G on the coding strand, the complement: MAGEL2 is on the minus strand). VCF-style: chr15-23644072-T-C. GRCh37 (hg19) VCF-style: chr15-23889219-T-C.
Other names: short protein forms E1224G.
Identifiers: ClinVar variation 2644976 (VCV002644976.24), dbSNP rs1380349059, ClinGen allele CA391321292.